The following is an entry in ClinVar:

ClinVar aggregate classification (germline): Uncertain significance (1 of 4 stars; one submission).

Conditions:
Cone-rod dystrophy 2 (CORD2). Also called: CONE-ROD RETINAL DYSTROPHY; Cone-rod retinal dystrophy 2. Identifiers: Orphanet 1872, MedGen C3489532, MONDO:0007362, OMIM 120970.
Leber congenital amaurosis 7 (LCA7). Identifiers: Orphanet 65, MedGen C3151192, MONDO:0013449, OMIM 613829.

Allele frequency attached by ClinVar (database versions not stated): gnomAD exomes below 0.00001.
gnomAD v4.1: 1 of 1,614,196 alleles (0.000062%); highest among the groups gnomAD compares: Non-Finnish European, 0.000085%; no homozygotes.

Submission:

Labcorp Genetics (formerly Invitae), Labcorp
Classification: Uncertain significance for Cone-rod dystrophy 2; Leber congenital amaurosis 7. Last evaluated: 2022-07-17. Review status: criteria provided, single submitter. Criteria: Invitae Variant Classification Sherloc (09022015). Collection method: clinical testing. Allele origin: germline.
Comment: This sequence change replaces threonine, which is neutral and polar, with isoleucine, which is neutral and non-polar, at codon 61 of the CRX protein (p.Thr61Ile). This variant is not present in population databases (gnomAD no frequency). This variant has not been reported in the literature in individuals affected with CRX-related conditions. ClinVar contains an entry for this variant (Variation ID: 1487506). Algorithms developed to predict the effect of missense changes on protein structure and function (SIFT, PolyPhen-2, Align-GVGD) all suggest that this variant is likely to be disruptive. In summary, the available evidence is currently insufficient to determine the role of this variant in disease. Therefore, it has been classified as a Variant of Uncertain Significance.

NM_000554.6(CRX):c.182C>T (p.Thr61Ile)

Gene: CRX (cone-rod homeobox; plus strand). Cytogenetic location: 19q13.33.
Variant type: single nucleotide variant.
Coding change: c.182C>T on transcript NM_000554.6 (MANE Select); coding-DNA position 182, C replaced by T.
Protein change: p.Thr61Ile; replaces threonine 61 with isoleucine.
Molecular consequence: missense variant.
Genome position (GRCh38, 1-based): chr19:47,836,324, C>T. VCF-style: chr19-47836324-C-T. GRCh37 (hg19) VCF-style: chr19-48339581-C-T.
Other names: short protein forms T61I.
Identifiers: ClinVar variation 1487506 (VCV001487506.8), dbSNP rs1599985527, ClinGen allele CA406629648.